The following is an entry in ClinVar:

ClinVar aggregate classification (germline): Uncertain significance (1 of 4 stars; one submission).

Conditions:
Pityriasis rubra pilaris (PRP). Also called: Pityriasis rubra pilaris--familial type. Identifiers: Orphanet 2897, MedGen C0032027, MONDO:0100017, OMIM 173200, MONDO:0008251.
Psoriasis 2. Identifiers: MedGen C1864497, MONDO:0011269, OMIM 602723.

Allele frequency attached by ClinVar (database versions not stated): gnomAD exomes below 0.00001; ExAC 0.00001.
gnomAD v4.1: 1 of 1,613,462 alleles (0.000062%); highest among the groups gnomAD compares: Non-Finnish European, 0.000085%; no homozygotes.

Submission:

Labcorp Genetics (formerly Invitae), Labcorp
Classification: Uncertain significance for Pityriasis rubra pilaris; Psoriasis 2. Last evaluated: 2018-07-05. Review status: criteria provided, single submitter. Criteria: Invitae Variant Classification Sherloc (09022015). Collection method: clinical testing. Allele origin: germline.
Comment: In summary, the available evidence is currently insufficient to determine the role of this variant in disease. Therefore, it has been classified as a Variant of Uncertain Significance. Nucleotide substitutions within the consensus splice site are a relatively common cause of aberrant splicing (PMID: 17576681, 9536098). Algorithms developed to predict the effect of sequence changes on RNA splicing suggest that this variant may disrupt the consensus splice site, but this prediction has not been confirmed by published transcriptional studies. This variant has not been reported in the literature in individuals with CARD14-related disease. The frequency data for this variant in the population databases is considered unreliable, as metrics indicate poor data quality at this position in the ExAC database. This sequence change falls in intron 11 of the CARD14 gene. It does not directly change the encoded amino acid sequence of the CARD14 protein, but it affects a nucleotide within the consensus splice site of the intron.

Literature cited by the submitters: PubMed 17576681; PubMed 9536098.

NM_001366385.1(CARD14):c.1595-3C>A

Gene: CARD14 (caspase recruitment domain family member 14; plus strand). Cytogenetic location: 17q25.3.
Variant type: single nucleotide variant.
Coding change: c.1595-3C>A on transcript NM_001366385.1 (MANE Select); 3 bases into the intron before coding-DNA position 1595, C replaced by A.
Molecular consequence: intron variant.
Genome position (GRCh38, 1-based): chr17:80,198,096, C>A. VCF-style: chr17-80198096-C-A. GRCh37 (hg19) VCF-style: chr17-78171895-C-A.
Other names: c.1595-3C>A (NM_024110.4, NM_001257970.1); c.884-3C>A (NM_052819.3).
Identifiers: ClinVar variation 660092 (VCV000660092.9), dbSNP rs761315669, ClinGen allele CA8816894.